The following is an entry in ClinVar:

ClinVar aggregate classification (germline): Uncertain significance (1 of 4 stars; one submission).

Submission:

Labcorp Genetics (formerly Invitae), Labcorp
Classification: Uncertain significance. Last evaluated: 2025-09-03. Review status: criteria provided, single submitter. Criteria: Invitae Variant Classification Sherloc (09022015). Collection method: clinical testing. Allele origin: germline.
Comment: This sequence change replaces glycine, which is neutral and non-polar, with arginine, which is basic and polar, at codon 786 of the NLGN2 protein (p.Gly786Arg). This variant is not present in population databases (gnomAD no frequency). This variant has not been reported in the literature in individuals affected with NLGN2-related conditions. Invitae Evidence Modeling of protein sequence and biophysical properties (such as structural, functional, and spatial information, amino acid conservation, physicochemical variation, residue mobility, and thermodynamic stability) indicates that this missense variant is not expected to disrupt NLGN2 protein function with a negative predictive value of 80%. In summary, the available evidence is currently insufficient to determine the role of this variant in disease. Therefore, it has been classified as a Variant of Uncertain Significance.

NM_020795.4(NLGN2):c.2356G>A (p.Gly786Arg)

Gene: NLGN2 (neuroligin 2; plus strand). Cytogenetic location: 17p13.1.
Variant type: single nucleotide variant.
Coding change: c.2356G>A on transcript NM_020795.4 (MANE Select); coding-DNA position 2356, G replaced by A.
Protein change: p.Gly786Arg; replaces glycine 786 with arginine.
Molecular consequence: missense variant.
Genome position (GRCh38, 1-based): chr17:7,417,647, G>A. VCF-style: chr17-7417647-G-A. GRCh37 (hg19) VCF-style: chr17-7320966-G-A.
Other names: short protein forms G786R.
Identifiers: ClinVar variation 4748550 (VCV004748550.1).
Genomic context (GRCh38, chr17:7,417,647, plus strand): 5'-CCGCCCGACTACACCCTGGCCCTGCGCCGGGCACCGGACGATGTGCCTCTCTTGGCCCCC[G>A]GGGCCCTGACCCTGCTGCCCAGTGGCCTGGGGCCACCGCCACCCCCACCGCCCCCCTCCC-3'
Protein context (NP_065846.1, residues 776-796): APDDVPLLAP[Gly786Arg]ALTLLPSGLG